The following is an entry in ClinVar:

NM_001353921.2(ARHGEF9):c.1180A>C (p.Ser394Arg)

Gene: ARHGEF9 (Cdc42 guanine nucleotide exchange factor 9; minus strand). Cytogenetic location: Xq11.1.
Variant type: single nucleotide variant.
Coding change: c.1180A>C on transcript NM_001353921.2 (MANE Select); coding-DNA position 1180, A replaced by C.
Protein change: p.Ser394Arg; replaces serine 394 with arginine.
Molecular consequence: missense variant. On other transcripts: intron variant (2).
Genome position (GRCh38, 1-based): chrX:63,655,635, T>G on the plus strand (A>C on the coding strand, the complement: ARHGEF9 is on the minus strand). VCF-style: chrX-63655635-T-G. GRCh37 (hg19) VCF-style: chrX-62875515-T-G.
Other names: c.1000A>C, p.Ser334Arg (NM_001173479.2); c.853A>C, p.Ser285Arg (NM_001173480.2, NM_001369042.1); c.1096A>C, p.Ser366Arg (NM_001330495.2, NM_001369033.1, NM_001369034.1 and 4 more transcripts); c.1048A>C, p.Ser350Arg (NM_001353922.2); c.1198A>C, p.Ser400Arg (NM_001353923.1); c.979A>C, p.Ser327Arg (NM_001353924.2, NM_001353926.2, NM_001369039.1 and 1 more transcripts); c.964A>C, p.Ser322Arg (NM_001353927.2, NM_001369041.1); c.1027A>C, p.Ser343Arg (NM_001353928.2); and 3 more; short protein forms S205R, S285R, S322R, S327R, S334R, S343R, S350R, S366R.
Identifiers: ClinVar variation 1017392 (VCV001017392.9), dbSNP rs2048827604, ClinGen allele CA413404567.

ClinVar aggregate classification (germline): Uncertain significance (1 of 4 stars; one submission).

Conditions:
Developmental and epileptic encephalopathy, 8 (DEE8). Also called: HYPEREKPLEXIA AND EPILEPSY. Identifiers: Orphanet 163985, Orphanet 2076, MedGen C1845102, MONDO:0010375, OMIM 300607.

Submission:

Labcorp Genetics (formerly Invitae), Labcorp
Classification: Uncertain significance for Developmental and epileptic encephalopathy, 8. Last evaluated: 2020-10-14. Review status: criteria provided, single submitter. Criteria: Invitae Variant Classification Sherloc (09022015). Collection method: clinical testing. Allele origin: germline.
Comment: This sequence change replaces serine with arginine at codon 387 of the ARHGEF9 protein (p.Ser387Arg). The serine residue is highly conserved and there is a moderate physicochemical difference between serine and arginine. In summary, the available evidence is currently insufficient to determine the role of this variant in disease. Therefore, it has been classified as a Variant of Uncertain Significance. Algorithms developed to predict the effect of missense changes on protein structure and function (SIFT, PolyPhen-2, Align-GVGD) all suggest that this variant is likely to be disruptive, but these predictions have not been confirmed by published functional studies and their clinical significance is uncertain. This variant has not been reported in the literature in individuals with ARHGEF9-related conditions. This variant is not present in population databases (ExAC no frequency).